The following is an entry in ClinVar:

NM_020800.3(IFT80):c.835A>G (p.Ile279Val)

Genes: IFT80 (intraflagellar transport 80; minus strand), TRIM59-IFT80 (TRIM59-IFT80 readthrough (NMD candidate); minus strand). Cytogenetic location: 3q25.33.
Variant type: single nucleotide variant.
Coding change: c.835A>G on transcript NM_020800.3 (MANE Select); coding-DNA position 835, A replaced by G.
Protein change: p.Ile279Val; replaces isoleucine 279 with valine.
Molecular consequence: missense variant. On other transcripts: non-coding transcript variant (3).
Genome position (GRCh38, 1-based): chr3:160,319,882, T>C on the plus strand (A>G on the coding strand, the complement: IFT80 is on the minus strand). VCF-style: chr3-160319882-T-C. GRCh37 (hg19) VCF-style: chr3-160037670-T-C.
Other names: c.424A>G, p.Ile142Val (NM_001190241.2, NM_001190242.2); c.835A>G (NM_020800.2); short protein forms I142V, I279V.
Identifiers: ClinVar variation 1052676 (VCV001052676.8), dbSNP rs772283130, ClinGen allele CA2685333.

ClinVar aggregate classification (germline): Uncertain significance. Review status: criteria provided, multiple submitters, no conflicts (2 of 4 stars). 2 submissions from 2 submitters: Uncertain significance (2). Last evaluated 2023-08-04.

Conditions:
Inborn genetic diseases. Identifiers: MedGen C0950123, MeSH D030342.
Jeune thoracic dystrophy. Also called: Jeune syndrome; Infantile thoracic dystrophy; Thoracic pelvic phalangeal dystrophy; Jeune's syndrome; Chondroectodermal dysplasia-like syndrome; Short-rib thoracic dysplasia. Identifiers: Orphanet 474, MedGen C0265275, MONDO:0018770.

Allele frequency attached by ClinVar (database versions not stated): ExAC 0.00002; gnomAD exomes 0.00002 and 0.00006; gnomAD 0.00003 and 0.00004; TOPMed 0.00003.
gnomAD v4.1: 95 of 1,612,616 alleles (0.0059%); highest among the groups gnomAD compares: Non-Finnish European, 0.0077%; no homozygotes.

Submissions (2):

Labcorp Genetics (formerly Invitae), Labcorp
Classification: Uncertain significance for Jeune thoracic dystrophy. Last evaluated: 2023-08-04. Review status: criteria provided, single submitter. Criteria: Invitae Variant Classification Sherloc (09022015). Collection method: clinical testing. Allele origin: germline.
Comment: In summary, the available evidence is currently insufficient to determine the role of this variant in disease. Therefore, it has been classified as a Variant of Uncertain Significance. This sequence change replaces isoleucine, which is neutral and non-polar, with valine, which is neutral and non-polar, at codon 279 of the IFT80 protein (p.Ile279Val). This variant is present in population databases (rs772283130, gnomAD 0.005%). This variant has not been reported in the literature in individuals affected with IFT80-related conditions. ClinVar contains an entry for this variant (Variation ID: 1052676). Advanced modeling of protein sequence and biophysical properties (such as structural, functional, and spatial information, amino acid conservation, physicochemical variation, residue mobility, and thermodynamic stability) performed at Invitae indicates that this missense variant is not expected to disrupt IFT80 protein function.

Ambry Genetics
Classification: Uncertain significance for Inborn genetic diseases. Last evaluated: 2021-10-06. Review status: criteria provided, single submitter. Criteria: Ambry Variant Classification Scheme 2023. Collection method: clinical testing. Allele origin: germline.